The following is an entry in ClinVar:

NM_006516.4(SLC2A1):c.*1213G>T

Gene: SLC2A1 (solute carrier family 2 member 1; minus strand). Cytogenetic location: 1p34.2.
Variant type: single nucleotide variant.
Coding change: c.*1213G>T on transcript NM_006516.4 (MANE Select); 1213 bases downstream of the stop codon, G replaced by T.
Molecular consequence: 3 prime UTR variant.
Genome position (GRCh38, 1-based): chr1:42,925,828, C>A on the plus strand (G>T on the coding strand, the complement: SLC2A1 is on the minus strand). VCF-style: chr1-42925828-C-A. GRCh37 (hg19) VCF-style: chr1-43391499-C-A.
Other names: NC_000001.10:g.43391499C>A.
Identifiers: ClinVar variation 297358 (VCV000297358.7), dbSNP rs55728431, ClinGen allele CA10609957.

ClinVar aggregate classification (germline): Benign. Review status: criteria provided, multiple submitters, no conflicts (2 of 4 stars). 3 submissions from 2 submitters: Benign (3). Last evaluated 2018-01-12.

Conditions:
Dystonia 9 (DYT9). Also called: CHOREOATHETOSIS, KINESIGENIC, WITH EPISODIC ATAXIA AND SPASTICITY. Identifiers: Orphanet 53583, MedGen C1832855, MONDO:0010983, OMIM 601042.
Encephalopathy due to GLUT1 deficiency. Also called: Classic Glucose Transporter Type 1 Deficiency Syndrome; GLUCOSE TRANSPORT DEFECT, BLOOD-BRAIN BARRIER; De Vivo disease; Glucose transporter protein syndrome; GLUT1 deficiency syndrome 1, infantile onset, severe; GLUT1 deficiency syndrome 1. Identifiers: Orphanet 71277, MedGen C4551966, MONDO:0011724, OMIM 606777.

Allele frequency attached by ClinVar (database versions not stated): gnomAD 0.04617 and 0.04893; TOPMed 0.05214; 1000 Genomes Project 0.05831; 1000 Genomes Project 30x 0.06106.

Submissions (4):

Illumina Laboratory Services, Illumina
Classification: Benign for Encephalopathy due to GLUT1 deficiency. Last evaluated: 2018-01-12. Review status: criteria provided, single submitter. Criteria: ICSL Variant Classification Criteria 13 December 2019. Collection method: clinical testing. Allele origin: germline.
Comment: This variant was observed in the ICSL laboratory as part of a predisposition screen in an ostensibly healthy population. It had not been previously curated by ICSL or reported in the Human Gene Mutation Database (HGMD: prior to June 1st, 2018), and was therefore a candidate for classification through an automated scoring system. Utilizing variant allele frequency, disease prevalence and penetrance estimates, and inheritance mode, an automated score was calculated to assess if this variant is too frequent to cause the disease. Based on the score and internal cut-off values, a variant classified as benign is not then subjected to further curation. The score for this variant resulted in a classification of benign for this disease.

Illumina Laboratory Services, Illumina
Classification: Benign for Dystonia 9. Last evaluated: 2018-01-12. Review status: criteria provided, single submitter. Criteria: ICSL Variant Classification Criteria 13 December 2019. Collection method: clinical testing. Allele origin: germline.
Comment: the same text as in the submission from Illumina Laboratory Services, Illumina above.

Breakthrough Genomics
Classification: Benign. Review status: criteria provided, single submitter. Criteria: ACMG Guidelines, 2015. Collection method: not provided. Allele origin: germline. Inheritance: Autosomal dominant inheritance. Affected: yes.

Dr. Peter K. Rogan Lab, Western University
No classification provided (evidence only). Condition: Hepatocellular carcinoma. Review status: no classification provided. Collection method: in vitro. Allele origin: not applicable. Functional consequence: retained intron. Not counted in ClinVar's aggregate classification.